The following is an entry in ClinVar:

NM_001160372.4(TRAPPC9):c.3220_3225delinsGACTAA (p.Asn1074_Tyr1075delinsAspTer)

Gene: TRAPPC9 (trafficking protein particle complex subunit 9; minus strand). Cytogenetic location: 8q24.3.
Variant type: Indel.
Coding change: c.3220_3225delinsGACTAA on transcript NM_001160372.4 (MANE Select); coding-DNA positions 3220 to 3225, AACTAC replaced by GACTAA.
Protein change: p.Asn1074_Tyr1075delinsAspTer.
Molecular consequence: nonsense. On other transcripts: non-coding transcript variant (1).
Genome position (GRCh38, 1-based): chr8:139,732,033-139,732,038, GTAGTT replaced by TTAGTC on the plus strand (AACTAC replaced by GACTAA on the coding strand, the reverse complement: TRAPPC9 is on the minus strand). VCF-style: chr8-139732033-GTAGTT-TTAGTC. GRCh37 (hg19) VCF-style: chr8-140744276-GTAGTT-TTAGTC.
Other names: c.3193_3198delinsGACTAA, p.Asn1065_Tyr1066delinsAspTer (NM_001321646.2); c.3241_3246delinsGACTAA, p.Asn1081_Tyr1082delinsAspTer (NM_001374682.1); c.3109_3114delinsGACTAA, p.Asn1037_Tyr1038delinsAspTer (NM_001374683.1); c.3076_3081delinsGACTAA, p.Asn1026_Tyr1027delinsAspTer (NM_001374684.1); c.3220_3225delinsGACTAA, p.Asn1074_Tyr1075delinsAspTer (NM_031466.8); c.3514_3519delAACTACinsGACTAA (NM_031466.5).
Identifiers: ClinVar variation 504118 (VCV000504118.7), dbSNP rs1554632235, ClinGen allele CA658797151.

ClinVar aggregate classification (germline): Pathogenic (1 of 4 stars; one submission).

Submission:

GeneDx
Classification: Pathogenic. Last evaluated: 2025-09-30. Review status: criteria provided, single submitter. Criteria: GeneDx Variant Classification Process June 2021. Collection method: clinical testing. Allele origin: germline. Affected: yes.
Comment: Nonsense variant in the C-terminus predicted to result in protein truncation, as the last 75 amino acids are replaced with one incorrect amino acid, and another loss-of-function variant has been reported downstream at GeneDx; Not observed at significant frequency in large population cohorts (gnomAD); Has not been previously published as pathogenic or benign to our knowledge